The following is an entry in ClinVar:

ClinVar aggregate classification (germline): Uncertain significance (1 of 4 stars; one submission).

Allele frequency attached by ClinVar (database versions not stated): gnomAD exomes below 0.00001.
gnomAD v4.1: 1 of 1,613,978 alleles (0.000062%); highest among the groups gnomAD compares: Admixed American, 0.0017%; no homozygotes.

Submission:

Labcorp Genetics (formerly Invitae), Labcorp
Classification: Uncertain significance. Last evaluated: 2021-11-18. Review status: criteria provided, single submitter. Criteria: Invitae Variant Classification Sherloc (09022015). Collection method: clinical testing. Allele origin: germline.
Comment: This sequence change replaces proline, which is neutral and non-polar, with leucine, which is neutral and non-polar, at codon 626 of the COL4A4 protein (p.Pro626Leu). This variant is present in population databases (no rsID available, gnomAD 0.003%). This variant has not been reported in the literature in individuals affected with COL4A4-related conditions. Advanced modeling of protein sequence and biophysical properties (such as structural, functional, and spatial information, amino acid conservation, physicochemical variation, residue mobility, and thermodynamic stability) performed at Invitae indicates that this missense variant is not expected to disrupt COL4A4 protein function. In summary, the available evidence is currently insufficient to determine the role of this variant in disease. Therefore, it has been classified as a Variant of Uncertain Significance.

NM_000092.5(COL4A4):c.1877C>T (p.Pro626Leu)

Gene: COL4A4 (collagen type IV alpha 4 chain; minus strand). Cytogenetic location: 2q36.3.
Variant type: single nucleotide variant.
Coding change: c.1877C>T on transcript NM_000092.5 (MANE Select); coding-DNA position 1877, C replaced by T.
Protein change: p.Pro626Leu; replaces proline 626 with leucine.
Molecular consequence: missense variant.
Genome position (GRCh38, 1-based): chr2:227,078,004, G>A on the plus strand (C>T on the coding strand, the complement: COL4A4 is on the minus strand). VCF-style: chr2-227078004-G-A. GRCh37 (hg19) VCF-style: chr2-227942720-G-A.
Other names: short protein forms P626L.
Identifiers: ClinVar variation 1393808 (VCV001393808.6), dbSNP rs1468423581, ClinGen allele CA350845310.